The following is an entry in ClinVar:

ClinVar aggregate classification (germline): Uncertain significance (1 of 4 stars; one submission).

Submission:

Centre for Mendelian Genomics, University Medical Centre Ljubljana
Classification: Uncertain significance. Last evaluated: 2019-04-30. Review status: criteria provided, single submitter. Criteria: ACMG Guidelines, 2015. Collection method: clinical testing. Allele origin: unknown. Affected: yes.
Comment: This variant was classified as: Uncertain significance. The available evidence on this variant's pathogenicity is insufficient or conflicting. The following ACMG criteria were applied in classifying this variant: PM2,PP3. This variant was detected in homozygous state.

NM_001605.3(AARS1):c.836A>G (p.Tyr279Cys)

Gene: AARS1 (alanyl-tRNA synthetase 1; minus strand). Cytogenetic location: 16q22.1.
Variant type: single nucleotide variant.
Coding change: c.836A>G on transcript NM_001605.3 (MANE Select); coding-DNA position 836, A replaced by G.
Protein change: p.Tyr279Cys; replaces tyrosine 279 with cysteine.
Molecular consequence: missense variant.
Genome position (GRCh38, 1-based): chr16:70,269,744, T>C on the plus strand (A>G on the coding strand, the complement: AARS1 is on the minus strand). VCF-style: chr16-70269744-T-C. GRCh37 (hg19) VCF-style: chr16-70303647-T-C.
Other names: short protein forms Y279C.
Identifiers: ClinVar variation 932121 (VCV000932121.3), dbSNP rs1960352267, ClinGen allele CA396564894.